The following is an entry in ClinVar:

NM_016169.4(SUFU):c.29C>T (p.Pro10Leu)

Genes: SUFU (SUFU negative regulator of hedgehog signaling; plus strand), LOC130004614 (ATAC-STARR-seq lymphoblastoid silent region 2764; plus strand). Cytogenetic location: 10q24.32.
Variant type: single nucleotide variant.
Coding change: c.29C>T on transcript NM_016169.4 (MANE Select); coding-DNA position 29, C replaced by T.
Protein change: p.Pro10Leu; replaces proline 10 with leucine.
Molecular consequence: missense variant.
Genome position (GRCh38, 1-based): chr10:102,504,181, C>T. VCF-style: chr10-102504181-C-T. GRCh37 (hg19) VCF-style: chr10-104263938-C-T.
Other names: c.29C>T, p.Pro10Leu (NM_001178133.2); short protein forms P10L.
Identifiers: ClinVar variation 3802903 (VCV003802903.1).
Genomic context (GRCh38, chr10:102,504,181, plus strand): 5'-CAGTTCCCCCAGTGCCTGCCCTACGCACCCCGATGGCGGAGCTGCGGCCTAGCGGCGCCC[C>T]CGGCCCCACCGCGCCCCCGGCCCCTGGCCCGACTGCCCCCCCGGCCTTCGCTTCGCTCTT-3'
Protein context (NP_057253.2, residues 1-20): MAELRPSGA[Pro10Leu]GPTAPPAPGP

ClinVar aggregate classification (germline): Uncertain significance (1 of 4 stars; one submission).

Conditions:
Hereditary cancer-predisposing syndrome. Also called: Neoplastic Syndromes, Hereditary; Hereditary Cancer Syndrome; Tumor predisposition; Hereditary neoplastic syndrome. Identifiers: Orphanet 140162, MedGen C0027672, MeSH D009386, MONDO:0015356.

Submission:

Ambry Genetics
Classification: Uncertain significance for Hereditary cancer-predisposing syndrome. Last evaluated: 2025-02-14. Review status: criteria provided, single submitter. Criteria: Ambry Variant Classification Scheme 2023. Collection method: clinical testing. Allele origin: germline.
Comment: The p.P10L variant (also known as c.29C>T), located in coding exon 1 of the SUFU gene, results from a C to T substitution at nucleotide position 29. The proline at codon 10 is replaced by leucine, an amino acid with similar properties. This amino acid position is conserved. In addition, the in silico prediction for this alteration is inconclusive. Based on the available evidence, the clinical significance of this variant remains unclear.